The following is an entry in ClinVar:

ClinVar aggregate classification (germline): Likely benign (1 of 4 stars; one submission).

Submission:

CeGaT Center for Human Genetics Tuebingen
Classification: Likely benign. Last evaluated: 2023-04-01. Review status: criteria provided, single submitter. Criteria: CeGaT Center For Human Genetics Tuebingen Variant Classification Criteria Version 2. Collection method: clinical testing. Allele origin: germline. Affected: yes. Observed: 1 variant allele.
Comment: TSC22D3: PM2:Supporting, BP4, BP7

NM_198057.3(TSC22D3):c.6C>G (p.Ala2=)

Gene: TSC22D3 (TSC22 domain family member 3; minus strand). Cytogenetic location: Xq22.3.
Variant type: single nucleotide variant.
Coding change: c.6C>G on transcript NM_198057.3 (MANE Select); coding-DNA position 6, C replaced by G.
Protein change: p.Ala2=; no amino-acid change (alanine 2 retained).
Molecular consequence: synonymous variant.
Genome position (GRCh38, 1-based): chrX:107,775,414, G>C on the plus strand (C>G on the coding strand, the complement: TSC22D3 is on the minus strand). VCF-style: chrX-107775414-G-C. GRCh37 (hg19) VCF-style: chrX-107018644-G-C.
Other names: c.6C>G, p.Ala2= (NM_001318468.1, NM_001318470.1).
Identifiers: ClinVar variation 2661154 (VCV002661154.24), dbSNP rs2521612505, ClinGen allele CA518106260.